The following is an entry in ClinVar:

NM_002691.4(POLD1):c.317-9A>T

Gene: POLD1 (DNA polymerase delta 1, catalytic subunit; plus strand). Cytogenetic location: 19q13.33.
Variant type: single nucleotide variant.
Coding change: c.317-9A>T on transcript NM_002691.4 (MANE Select); 9 bases into the intron before coding-DNA position 317, A replaced by T.
Molecular consequence: intron variant.
Genome position (GRCh38, 1-based): chr19:50,401,769, A>T. VCF-style: chr19-50401769-A-T. GRCh37 (hg19) VCF-style: chr19-50905026-A-T.
Other names: c.317-9A>T (NM_001256849.1, NM_001308632.1, LRG_785t1 and 1 more transcripts).
Identifiers: ClinVar variation 507916 (VCV000507916.11), dbSNP rs1555789722, ClinGen allele CA658799292.
Genomic context (GRCh38, chr19:50,401,769, plus strand): 5'-GAGGCTGTGGAGACACACCTTGGAGGACCCTGAGAGGCATGGCCGCTGTCTTACCCTGTG[A>T]CCCCACAGGCCCAGCGCAGCCTGTGCCTGGGGGGCCCCCACCATCCCGCGGCTCCGTGCC-3'

ClinVar aggregate classification (germline): Likely benign. Review status: criteria provided, multiple submitters, no conflicts (2 of 4 stars). 2 submissions from 2 submitters: Likely benign (2). Last evaluated 2025-09-13.

Conditions:
POLD1-related polyposis and colorectal cancer syndrome (CRCS10). Also called: Colorectal cancer 10; COLORECTAL CANCER, SUSCEPTIBILITY TO, ON CHROMOSOME 19q; Colorectal cancer, susceptibility to, 10. Identifiers: Orphanet 220460, MedGen C2675481, MONDO:0012953, OMIM 612591.

Allele frequency attached by ClinVar (database versions not stated): TOPMed below 0.00001.
gnomAD v4.1: 1 of 1,611,122 alleles (0.000062%); no homozygotes.

Submissions (2):

Labcorp Genetics (formerly Invitae), Labcorp
Classification: Likely benign for POLD1-related polyposis and colorectal cancer syndrome. Last evaluated: 2025-09-13. Review status: criteria provided, single submitter. Criteria: Invitae Variant Classification Sherloc (09022015). Collection method: clinical testing. Allele origin: germline.

GeneDx
Classification: Likely benign. Last evaluated: 2017-03-09. Review status: criteria provided, single submitter. Criteria: GeneDx Variant Classification (06012015). Collection method: clinical testing. Allele origin: germline. Affected: yes.
Comment: This variant is considered likely benign or benign based on one or more of the following criteria: it is a conservative change, it occurs at a poorly conserved position in the protein, it is predicted to be benign by multiple in silico algorithms, and/or has population frequency not consistent with disease.